The following is an entry in ClinVar:

NM_005557.4(KRT16):c.362T>G (p.Met121Arg)

Gene: KRT16 (keratin 16; minus strand). Cytogenetic location: 17q21.2.
Variant type: single nucleotide variant.
Coding change: c.362T>G on transcript NM_005557.4 (MANE Select); coding-DNA position 362, T replaced by G.
Protein change: p.Met121Arg; replaces methionine 121 with arginine.
Molecular consequence: missense variant.
Genome position (GRCh38, 1-based): chr17:41,612,327, A>C on the plus strand (T>G on the coding strand, the complement: KRT16 is on the minus strand). VCF-style: chr17-41612327-A-C. GRCh37 (hg19) VCF-style: chr17-39768579-A-C.
Other names: short protein forms M121R.
Identifiers: ClinVar variation 419351 (VCV000419351.2), dbSNP rs28928894, ClinGen allele CA16620406.

ClinVar aggregate classification (germline): Pathogenic (1 of 4 stars; one submission).

Submission:

GeneDx
Classification: Pathogenic. Last evaluated: 2015-12-31. Review status: criteria provided, single submitter. Criteria: GeneDx Variant Classification (06012015). Collection method: clinical testing. Allele origin: germline. Affected: yes.
Comment: The M121R variant is a non-conservative amino acid substitution, which is likely to impact secondary protein structure as these residues differ in polarity, charge, size and/or other properties. This substitution occurs at a position that is conserved across species. In silico analysis predicts this variant is probably damaging to the protein structure/function. Missense variants in this residue (M121K, M121T) and in nearby residues (Q122P, L124R, L124P, L124H, N125D, N125S, R127C, R127G, R127S, R127P, R127H, L128P, L128Q) have been reported in the Human Gene Mutation Database in association with pachyonychia congenita and non-epidermolytic palmoplantar keratoderma (Stenson et al., 2014), supporting the functional importance of this region of the protein. Therefore, based on the currently available information, we interpret M121R as a pathogenic variant.